The following is an entry in ClinVar:

ClinVar aggregate classification (germline): Uncertain significance. Review status: criteria provided, multiple submitters, no conflicts (2 of 4 stars). 2 submissions from 2 submitters: Uncertain significance (2). Last evaluated 2019-04-19.

Conditions:
Familial adenomatous polyposis 2. Also called: FAP type 2; MUTYH Polyposis; MUTYH-related attenuated familial adenomatous polyposis; COLORECTAL ADENOMATOUS POLYPOSIS, AUTOSOMAL RECESSIVE; ADENOMAS, MULTIPLE COLORECTAL, AUTOSOMAL RECESSIVE; Adenomas, multiple colorectal. Identifiers: Orphanet 220460, Orphanet 247798, MedGen C3272841, MONDO:0012041, OMIM 608456.

Submissions (2):

Labcorp Genetics (formerly Invitae), Labcorp
Classification: Uncertain significance for Familial adenomatous polyposis 2. Last evaluated: 2019-04-19. Review status: criteria provided, single submitter. Criteria: Invitae Variant Classification Sherloc (09022015). Collection method: clinical testing. Allele origin: germline.
Comment: This sequence change replaces valine with alanine at codon 193 of the MUTYH protein (p.Val193Ala). The valine residue is highly conserved and there is a small physicochemical difference between valine and alanine. This variant is not present in population databases (ExAC no frequency). This variant has not been reported in the literature in individuals with MUTYH-related conditions. ClinVar contains an entry for this variant (Variation ID: 246512). Algorithms developed to predict the effect of missense changes on protein structure and function (SIFT, PolyPhen-2, Align-GVGD) all suggest that this variant is likely to be disruptive, but these predictions have not been confirmed by published functional studies and their clinical significance is uncertain. In summary, the available evidence is currently insufficient to determine the role of this variant in disease. Therefore, it has been classified as a Variant of Uncertain Significance.

GeneDx
Classification: Uncertain significance. Last evaluated: 2016-03-15. Review status: criteria provided, single submitter. Criteria: GeneDx Variant Classification (06012015). Collection method: clinical testing. Allele origin: germline. Affected: yes.
Comment: This variant is denoted MUTYH c.578T>C at the cDNA level, p.Val193Ala (V193A) at the protein level, and results in the change of a Valine to an Alanine (GTG>GCG). This variant has not, to our knowledge, been published in the literature as pathogenic or benign. MUTYH Val193Ala was not observed in approximately 6,500 individuals of European and African American ancestry in the NHLBI Exome Sequencing Project, suggesting it is not a common benign variant in these populations. Since Valine and Alanine share similar properties, this is considered a conservative amino acid substitution. MUTYH Val193Ala occurs at a position that is conserved across species and is located within the 8-oxo-G binding site (Ruggieri 2013). Protein-based in silico analyses predict that this variant is probably damaging to protein structure and function. In addition, multiple splicing models predict that this variant may weaken the nearby natural splice acceptor site. However, in the absence of RNA or functional studies, the actual effect of this variant is unknown. Based on currently available evidence, it is unclear whether MUTYH Val193Ala is a pathogenic or benign variant. We consider it to be a variant of uncertain significance. Of note, MUTYH-Associated Polyposis (MAP) is a recessive condition associated with two pathogenic variants on opposite chromosomes in MUTYH.

NM_001048174.2(MUTYH):c.494T>C (p.Val165Ala)

Gene: MUTYH (mutY DNA glycosylase; minus strand). Cytogenetic location: 1p34.1.
Variant type: single nucleotide variant.
Coding change: c.494T>C on transcript NM_001048174.2 (MANE Select); coding-DNA position 494, T replaced by C.
Protein change: p.Val165Ala; replaces valine 165 with alanine.
Molecular consequence: missense variant. On other transcripts: non-coding transcript variant (2).
Genome position (GRCh38, 1-based): chr1:45,332,686, A>G on the plus strand (T>C on the coding strand, the complement: MUTYH is on the minus strand). VCF-style: chr1-45332686-A-G. GRCh37 (hg19) VCF-style: chr1-45798358-A-G.
Other names: c.494T>C, p.Val165Ala (NM_001048171.2, NM_001048173.2, NM_001293195.2); c.497T>C, p.Val166Ala (NM_001048172.2); c.578T>C, p.Val193Ala (NM_001128425.2); c.539T>C, p.Val180Ala (NM_001293190.2); c.527T>C, p.Val176Ala (NM_001293191.2); c.218T>C, p.Val73Ala (NM_001293192.2, NM_001293196.2); c.149T>C, p.Val50Ala (NM_001350650.2, NM_001350651.2); c.569T>C, p.Val190Ala (NM_012222.3); short protein forms V193A, V73A, V176A, V180A, V50A, V166A, V190A, V165A.
Identifiers: ClinVar variation 246512 (VCV000246512.11), dbSNP rs879254293, ClinGen allele CA10584151.